The following is an entry in ClinVar:

ClinVar aggregate classification (germline): Uncertain significance (1 of 4 stars; one submission).

Allele frequency attached by ClinVar (database versions not stated): gnomAD exomes 0.00001; TOPMed 0.00002.

Submission:

Labcorp Genetics (formerly Invitae), Labcorp
Classification: Uncertain significance. Last evaluated: 2023-03-24. Review status: criteria provided, single submitter. Criteria: Invitae Variant Classification Sherloc (09022015). Collection method: clinical testing. Allele origin: germline.
Comment: This variant is present in population databases (no rsID available, gnomAD 0.01%). In summary, the available evidence is currently insufficient to determine the role of this variant in disease. Therefore, it has been classified as a Variant of Uncertain Significance. Variants that disrupt the consensus splice site are a relatively common cause of aberrant splicing (PMID: 17576681, 9536098). Algorithms developed to predict the effect of sequence changes on RNA splicing suggest that this variant is not likely to affect RNA splicing. ClinVar contains an entry for this variant (Variation ID: 1357554). This variant has not been reported in the literature in individuals affected with GPR143-related conditions. This sequence change falls in intron 7 of the GPR143 gene. It does not directly change the encoded amino acid sequence of the GPR143 protein. It affects a nucleotide within the consensus splice site.

Literature cited by the submitters: PubMed 17576681; PubMed 9536098.

NM_000273.3(GPR143):c.885+4G>A

Gene: GPR143 (G protein-coupled receptor 143; minus strand). Cytogenetic location: Xp22.2.
Variant type: single nucleotide variant.
Coding change: c.885+4G>A on transcript NM_000273.3 (MANE Select); 4 bases into the intron after coding-DNA position 885, G replaced by A.
Molecular consequence: intron variant.
Genome position (GRCh38, 1-based): chrX:9,741,334, C>T on the plus strand (G>A on the coding strand, the complement: GPR143 is on the minus strand). VCF-style: chrX-9741334-C-T. GRCh37 (hg19) VCF-style: chrX-9709374-C-T.
Identifiers: ClinVar variation 1357554 (VCV001357554.6), dbSNP rs1367421770, ClinGen allele CA640485015.